The following is an entry in ClinVar:

NM_001367805.3(KIF23):c.2512C>T (p.Pro838Ser)

Gene: KIF23 (kinesin family member 23; plus strand). Cytogenetic location: 15q23.
Variant type: single nucleotide variant.
Coding change: c.2512C>T on transcript NM_001367805.3 (MANE Select); coding-DNA position 2512, C replaced by T.
Protein change: p.Pro838Ser; replaces proline 838 with serine.
Molecular consequence: missense variant. On other transcripts: non-coding transcript variant (2), intron variant (1).
Genome position (GRCh38, 1-based): chr15:69,444,880, C>T. VCF-style: chr15-69444880-C-T. GRCh37 (hg19) VCF-style: chr15-69737219-C-T.
Other names: c.2470C>T, p.Pro824Ser (NM_001367804.2, NM_138555.4); c.2158C>T, p.Pro720Ser (NM_004856.7); c.2050-1129C>T (NM_001281301.2); short protein forms P720S, P838S, P824S.
Identifiers: ClinVar variation 4751793 (VCV004751793.1).

ClinVar aggregate classification (germline): Uncertain significance (1 of 4 stars; one submission).

Submission:

Labcorp Genetics (formerly Invitae), Labcorp
Classification: Uncertain significance. Last evaluated: 2025-06-02. Review status: criteria provided, single submitter. Criteria: Invitae Variant Classification Sherloc (09022015). Collection method: clinical testing. Allele origin: germline.
Comment: This sequence change replaces proline, which is neutral and non-polar, with serine, which is neutral and polar, at codon 824 of the KIF23 protein (p.Pro824Ser). This variant is not present in population databases (gnomAD no frequency). This variant has not been reported in the literature in individuals affected with KIF23-related conditions. Invitae Evidence Modeling of protein sequence and biophysical properties (such as structural, functional, and spatial information, amino acid conservation, physicochemical variation, residue mobility, and thermodynamic stability) indicates that this missense variant is not expected to disrupt KIF23 protein function with a negative predictive value of 80%. In summary, the available evidence is currently insufficient to determine the role of this variant in disease. Therefore, it has been classified as a Variant of Uncertain Significance.